The following is an entry in ClinVar:

NC_000007.13:g.(?_5751372)_(5752514_?)del

Gene: RNF216 (ring finger protein 216; minus strand). Cytogenetic location: 7p22.1.
Variant type: Deletion.
Identifiers: ClinVar variation 1377271 (VCV001377271.6).

ClinVar aggregate classification (germline): Uncertain significance (1 of 4 stars; one submission).

Submission:

Labcorp Genetics (formerly Invitae), Labcorp
Classification: Uncertain significance. Last evaluated: 2021-04-03. Review status: criteria provided, single submitter. Criteria: Invitae Variant Classification Sherloc (09022015). Collection method: clinical testing. Allele origin: germline.
Comment: In summary, the available evidence is currently insufficient to determine the role of this variant in disease. Therefore, it has been classified as a Variant of Uncertain Significance. Experimental studies and prediction algorithms are not available or were not evaluated, and the functional significance of this variant is currently unknown. This variant has not been reported in the literature in individuals with RNF216-related conditions. This variant is a gross deletion of the genomic region encompassing exon(s) 12-13 of the RNF216 gene. This variant would be expected to be in-frame, preserving the integrity of the reading frame.